The following is an entry in ClinVar:

NM_000245.4(MET):c.2491T>G (p.Phe831Val)

Gene: MET (MET proto-oncogene, receptor tyrosine kinase; plus strand). Cytogenetic location: 7q31.2.
Variant type: single nucleotide variant.
Coding change: c.2491T>G on transcript NM_000245.4 (MANE Select); coding-DNA position 2491, T replaced by G.
Protein change: p.Phe831Val; replaces phenylalanine 831 with valine.
Molecular consequence: missense variant.
Genome position (GRCh38, 1-based): chr7:116,763,176, T>G. VCF-style: chr7-116763176-T-G. GRCh37 (hg19) VCF-style: chr7-116403230-T-G.
Other names: c.2545T>G, p.Phe849Val (NM_001127500.3); c.2491T>G, p.Phe831Val (NM_001324401.3); c.1201T>G, p.Phe401Val (NM_001324402.2); short protein forms F401V, F831V, F849V.
Identifiers: ClinVar variation 5024388 (VCV005024388.1).

ClinVar aggregate classification (germline): Uncertain significance (1 of 4 stars; one submission).

Conditions:
Hereditary cancer-predisposing syndrome. Also called: Neoplastic Syndromes, Hereditary; Tumor predisposition; Hereditary neoplastic syndrome; Hereditary Cancer Syndrome. Identifiers: Orphanet 140162, MedGen C0027672, MeSH D009386, MONDO:0015356.

Submission:

Ambry Genetics
Classification: Uncertain significance for Hereditary cancer-predisposing syndrome. Last evaluated: 2026-07-07. Review status: criteria provided, single submitter. Criteria: Ambry Variant Classification Scheme 2023. Collection method: clinical testing. Allele origin: germline.
Comment: The p.F831V variant (also known as c.2491T>G), located in coding exon 10 of the MET gene, results from a T to G substitution at nucleotide position 2491. The phenylalanine at codon 831 is replaced by valine, an amino acid with highly similar properties. This amino acid position is conserved. In addition, this alteration is predicted to be deleterious by in silico analysis. Based on the available evidence, the clinical significance of this variant remains unclear.